The following is an entry in ClinVar:

ClinVar aggregate classification (germline): Pathogenic (1 of 4 stars; one submission).

Conditions:
Fanconi anemia (FA). Also called: Fanconi's anemia. Identifiers: Orphanet 84, MedGen C0015625, MeSH D005199, MONDO:0019391.

Submission:

Labcorp Genetics (formerly Invitae), Labcorp
Classification: Pathogenic for Fanconi anemia. Last evaluated: 2023-06-15. Review status: criteria provided, single submitter. Criteria: Invitae Variant Classification Sherloc (09022015). Collection method: clinical testing. Allele origin: germline.
Comment: This sequence change creates a premature translational stop signal (p.Trp513Glyfs*24) in the SLX4 gene. It is expected to result in an absent or disrupted protein product. Loss-of-function variants in SLX4 are known to be pathogenic (PMID: 21240277). This variant is not present in population databases (gnomAD no frequency). This variant has not been reported in the literature in individuals affected with SLX4-related conditions. For these reasons, this variant has been classified as Pathogenic.

Literature cited by the submitters: PubMed 21240277.

NM_032444.4(SLX4):c.1533del (p.Trp513fs)

Gene: SLX4 (SLX4 structure-specific endonuclease subunit; minus strand). Cytogenetic location: 16p13.3.
Variant type: Deletion.
Coding change: c.1533del on transcript NM_032444.4 (MANE Select); coding-DNA position 1533, one base deleted (A; older notation c.1533delA).
Protein change: p.Trp513fs; shifts the reading frame from tryptophan 513.
Molecular consequence: frameshift variant.
Genome position (GRCh38, 1-based): chr16:3,597,529, T deleted on the plus strand (A on the coding strand, the reverse complement: SLX4 is on the minus strand); the first of 2 consecutive T bases (chr16:3,597,529-3,597,530); deleting either gives the same sequence. VCF-style (leftmost placement, unchanged base first): chr16-3597528-CT-C. GRCh37 (hg19) VCF-style: chr16-3647529-CT-C.
Other names: short protein forms W513fs.
Identifiers: ClinVar variation 2778344 (VCV002778344.3), dbSNP rs2548218961, ClinGen allele CA2575892779.